The following is an entry in ClinVar:

NM_001376.5(DYNC1H1):c.10573C>T (p.Arg3525Cys)

Gene: DYNC1H1 (dynein cytoplasmic 1 heavy chain 1; plus strand). Cytogenetic location: 14q32.31.
Variant type: single nucleotide variant.
Coding change: c.10573C>T on transcript NM_001376.5 (MANE Select); coding-DNA position 10573, C replaced by T.
Protein change: p.Arg3525Cys; replaces arginine 3525 with cysteine.
Molecular consequence: missense variant.
Genome position (GRCh38, 1-based): chr14:102,034,135, C>T. VCF-style: chr14-102034135-C-T. GRCh37 (hg19) VCF-style: chr14-102500472-C-T.
Other names: short protein forms R3525C.
Identifiers: ClinVar variation 224130 (VCV000224130.4), dbSNP rs869312693, ClinGen allele CA353448.

ClinVar aggregate classification (germline): Pathogenic. Review status: criteria provided, multiple submitters, no conflicts (2 of 4 stars). 2 submissions from 2 submitters: Pathogenic (2). Last evaluated 2020-04-29.

Conditions:
Cortical dysplasia, complex, with other brain malformations 13. Also called: Intellectual disability, autosomal dominant 13. Identifiers: MedGen C3281202, MONDO:0013805, OMIM 614563.

Submissions (2):

GeneDx
Classification: Pathogenic. Last evaluated: 2020-04-29. Review status: criteria provided, single submitter. Criteria: GeneDx Variant Classification Process June 2021. Collection method: clinical testing. Allele origin: germline. Affected: yes.
Comment: Not observed in large population cohorts (Lek et al., 2016); In silico analysis supports that this missense variant has a deleterious effect on protein structure/function; This variant is associated with the following publications: (PMID: 28554332)

HudsonAlpha Institute for Biotechnology
Classification: Pathogenic for Cortical dysplasia, complex, with other brain malformations 13. Last evaluated: 2015-06-02. Review status: criteria provided, single submitter. Criteria: HA_assertions_20161101. Collection method: research. Allele origin: de novo. Affected: yes. Observed: 1 variant allele. Study: CSER-HudsonAlpha.